The following is an entry in ClinVar:

NM_022370.4(ROBO3):c.1051A>C (p.Thr351Pro)

Gene: ROBO3 (roundabout guidance receptor 3; plus strand). Cytogenetic location: 11q24.2.
Variant type: single nucleotide variant.
Coding change: c.1051A>C on transcript NM_022370.4 (MANE Select); coding-DNA position 1051, A replaced by C.
Protein change: p.Thr351Pro; replaces threonine 351 with proline.
Molecular consequence: missense variant.
Genome position (GRCh38, 1-based): chr11:124,871,031, A>C. VCF-style: chr11-124871031-A-C. GRCh37 (hg19) VCF-style: chr11-124740927-A-C.
Other names: short protein forms T351P.
Identifiers: ClinVar variation 561157 (VCV000561157.3), dbSNP rs1565310351, ClinGen allele CA383139482.

ClinVar aggregate classification (germline): Uncertain significance. Review status: criteria provided, multiple submitters, no conflicts (2 of 4 stars). 2 submissions from 2 submitters: Uncertain significance (2). Last evaluated 2021-01-09.

Conditions:
Gaze palsy, familial horizontal, with progressive scoliosis 1 (HGPPS1). Identifiers: Orphanet 2744, MedGen C4551964, MONDO:0020790, OMIM 607313.

gnomAD v4.1: 1 of 1,607,252 alleles (0.000062%); highest among the groups gnomAD compares: Non-Finnish European, 0.000085%; no homozygotes.

Submissions (2):

Institute of Human Genetics, University of Leipzig Medical Center
Classification: Uncertain significance for Gaze palsy, familial horizontal, with progressive scoliosis 1. Last evaluated: 2021-01-09. Review status: criteria provided, single submitter. Criteria: ACMG Guidelines, 2015. Collection method: curation. Allele origin: germline. Inheritance: Autosomal recessive inheritance. Affected: yes.
Comment: This ROBO3 variant was reported as Pathogenicâ€‹ in PMID: 25326635 with original nomenclature reported as c.1051A>C (p.Thr351Pro). Variant was re-classified as Uncertain Significance based on the criteria PM2_Supporting, PM3_Moderate, BP4_Supporting.

Baylor Genetics
Classification: Uncertain significance for Gaze palsy, familial horizontal, with progressive scoliosis 1. Last evaluated: 2017-09-01. Review status: criteria provided, single submitter. Criteria: ACMG Guidelines, 2015. Collection method: clinical testing. Allele origin: maternal. Inheritance: Autosomal recessive inheritance. Affected: yes.
Comment: Heterozygotes would be expected to be asymptomatic carriers.

Literature cited by the submitters: PubMed 25326635 (cited by Institute of Human Genetics, University of Leipzig Medical Center and Baylor Genetics).